The following is an entry in ClinVar:

ClinVar aggregate classification (germline): Uncertain significance (1 of 4 stars; one submission).

Conditions:
RYR1-related disorder. Also called: RYR1-related condition; RYR1-related disorders. Identifiers: MedGen CN239331.

Allele frequency attached by ClinVar (database versions not stated): gnomAD exomes below 0.00001.

Submission:

Labcorp Genetics (formerly Invitae), Labcorp
Classification: Uncertain significance for RYR1-related disorder. Last evaluated: 2023-12-03. Review status: criteria provided, single submitter. Criteria: Invitae Variant Classification Sherloc (09022015). Collection method: clinical testing. Allele origin: germline.
Comment: This sequence change replaces alanine, which is neutral and non-polar, with threonine, which is neutral and polar, at codon 1530 of the RYR1 protein (p.Ala1530Thr). This variant is not present in population databases (gnomAD no frequency). This variant has not been reported in the literature in individuals affected with RYR1-related conditions. Advanced modeling of protein sequence and biophysical properties (such as structural, functional, and spatial information, amino acid conservation, physicochemical variation, residue mobility, and thermodynamic stability) has been performed at Invitae for this missense variant, however the output from this modeling did not meet the statistical confidence thresholds required to predict the impact of this variant on RYR1 protein function. In summary, the available evidence is currently insufficient to determine the role of this variant in disease. Therefore, it has been classified as a Variant of Uncertain Significance.

NM_000540.3(RYR1):c.4588G>A (p.Ala1530Thr)

Gene: RYR1 (ryanodine receptor 1; plus strand). Cytogenetic location: 19q13.2.
Variant type: single nucleotide variant.
Coding change: c.4588G>A on transcript NM_000540.3 (MANE Select); coding-DNA position 4588, G replaced by A.
Protein change: p.Ala1530Thr; replaces alanine 1530 with threonine.
Molecular consequence: missense variant.
Genome position (GRCh38, 1-based): chr19:38,478,568, G>A. VCF-style: chr19-38478568-G-A. GRCh37 (hg19) VCF-style: chr19-38969208-G-A.
Other names: c.4588G>A, p.Ala1530Thr (NM_001042723.2); short protein forms A1530T.
Identifiers: ClinVar variation 2845549 (VCV002845549.3), dbSNP rs1968860399, ClinGen allele CA405648018.